The following is an entry in ClinVar:

ClinVar aggregate classification (germline): Uncertain significance (1 of 4 stars; one submission).

Conditions:
Cardiovascular phenotype. Identifiers: MedGen CN230736.

Submission:

Ambry Genetics
Classification: Uncertain significance for Cardiovascular phenotype. Last evaluated: 2022-04-03. Review status: criteria provided, single submitter. Criteria: Ambry Variant Classification Scheme 2023. Collection method: clinical testing. Allele origin: germline.
Comment: The p.I123V variant (also known as c.367A>G), located in coding exon 1 of the KCND3 gene, results from an A to G substitution at nucleotide position 367. The isoleucine at codon 123 is replaced by valine, an amino acid with highly similar properties. This amino acid position is conserved. In addition, this alteration is predicted to be tolerated by in silico analysis. Since supporting evidence is limited at this time, the clinical significance of this alteration remains unclear.

NM_001378969.1(KCND3):c.367A>G (p.Ile123Val)

Gene: KCND3 (potassium voltage-gated channel subfamily D member 3; minus strand). Cytogenetic location: 1p13.2.
Variant type: single nucleotide variant.
Coding change: c.367A>G on transcript NM_001378969.1 (MANE Select); coding-DNA position 367, A replaced by G.
Protein change: p.Ile123Val; replaces isoleucine 123 with valine.
Molecular consequence: missense variant.
Genome position (GRCh38, 1-based): chr1:111,982,360, T>C on the plus strand (A>G on the coding strand, the complement: KCND3 is on the minus strand). VCF-style: chr1-111982360-T-C. GRCh37 (hg19) VCF-style: chr1-112524982-T-C.
Other names: c.367A>G, p.Ile123Val (NM_001378970.1, NM_004980.5, NM_172198.3); short protein forms I123V.
Identifiers: ClinVar variation 1733856 (VCV001733856.2), dbSNP rs1571941352, ClinGen allele CA341822308.
Genomic context (GRCh38, chr1:111,982,360, plus strand): 5'-TCTCCCTCTTGCGGTCCTTGTACTCCTCGTAGCAGCAGTCCCCGATGATCTCCGGGAGGA[T>C]GCCGTAGAAGGCCAGCTCGTCGTCGTAGGCAGAGATGCACTCGTAGCGCGGGTAGTGCAG-3'
Protein context (NP_001365898.1, residues 113-133): AYDDELAFYG[Ile123Val]LPEIIGDCCY